The following is an entry in ClinVar:

ClinVar aggregate classification (germline): Likely benign (1 of 4 stars; one submission).

Conditions:
Sessile serrated polyposis cancer syndrome (SSPCS). Identifiers: Orphanet 157798, MedGen C4310714, MONDO:0014919, OMIM 617108.

gnomAD v4.1: 3 of 1,613,844 alleles (0.00019%); highest among the groups gnomAD compares: Non-Finnish European, 0.00025%; no homozygotes.

Submission:

Myriad Genetics, Inc.
Classification: Likely benign for Sessile serrated polyposis cancer syndrome. Last evaluated: 2026-06-26. Review status: criteria provided, single submitter. Criteria: Myriad Autosomal Dominant, Autosomal Recessive and X-Linked Classification Criteria (2023). Collection method: clinical testing. Allele origin: unknown.
Comment: This variant is considered likely benign. This variant is intronic and is not expected to impact mRNA splicing.

NM_017763.6(RNF43):c.252+10A>G

Gene: RNF43 (ring finger protein 43; minus strand). Cytogenetic location: 17q22.
Variant type: single nucleotide variant.
Coding change: c.252+10A>G on transcript NM_017763.6 (MANE Select); 10 bases into the intron after coding-DNA position 252, A replaced by G.
Molecular consequence: intron variant.
Genome position (GRCh38, 1-based): chr17:58,415,316, T>C on the plus strand (A>G on the coding strand, the complement: RNF43 is on the minus strand). VCF-style: chr17-58415316-T-C. GRCh37 (hg19) VCF-style: chr17-56492677-T-C.
Other names: c.252+10A>G (NM_001438822.1, NM_001305544.3, NM_001438820.1 and 1 more transcripts); c.-130+1701A>G (NM_001437987.1).
Identifiers: ClinVar variation 4875806 (VCV004875806.1).